The following is an entry in ClinVar:

NM_000016.6(ACADM):c.388-12_388-10del

Gene: ACADM (acyl-CoA dehydrogenase medium chain; plus strand). Cytogenetic location: 1p31.1.
Variant type: Deletion.
Coding change: c.388-12_388-10del on transcript NM_000016.6 (MANE Select); 12 bases into the intron before coding-DNA position 388 through 10 bases into the intron before coding-DNA position 388, 3 bases deleted (TTT; older notation c.388-12_388-10delTTT).
Molecular consequence: intron variant.
Genome position (GRCh38, 1-based): chr1:75,734,779-75,734,781, TTT deleted; deleting any 3 consecutive bases within chr1:75,734,778-75,734,781 gives the same sequence; the c. name uses the placement nearest the transcript's 3' end. VCF-style (leftmost placement, unchanged base first): chr1-75734777-ATTT-A. GRCh37 (hg19) VCF-style: chr1-76200462-ATTT-A.
Other names: c.400-12_400-10del (NM_001127328.3); c.487-12_487-10del (NM_001286043.2); c.280-12_280-10del (NM_001286042.2); c.-100+1857_-100+1859del (NM_001286044.2); c.388-12_388-10delTTT (NM_000016.6).
Identifiers: ClinVar variation 92264 (VCV000092264.7), dbSNP rs398123076, ClinGen allele CA220179.

ClinVar aggregate classification (germline): Uncertain significance. Review status: criteria provided, multiple submitters, no conflicts (2 of 4 stars). 2 submissions from 2 submitters: Uncertain significance (2). Last evaluated 2024-10-28.

Submissions (2):

Women's Health and Genetics/Laboratory Corporation of America, LabCorp
Classification: Uncertain significance. Last evaluated: 2024-10-28. Review status: criteria provided, single submitter. Criteria: LabCorp Variant Classification Summary - May 2015. Collection method: clinical testing. Allele origin: germline.
Comment: Variant summary: ACADM c.388-12_388-10delTTT alters a conserved nucleotide located at a position not widely known to affect splicing. Several computational tools predict a significant impact on normal splicing: One predicts the variant abolishes a canonical 3' acceptor site, and two predict the variant weakens the same splice site. However, these predictions have yet to be confirmed by functional studies. The variant was absent in 249214 control chromosomes (gnomAD). The available data on variant occurrences in the general population are insufficient to allow any conclusion about variant significance. c.388-12_388-10delTTT has been reported in the literature in an individual affected with features of Medium Chain Acyl-CoA Dehydrogenase Deficiency without strong evidence of causality (Narravula_2017). This report does not provide unequivocal conclusions about association of the variant with Medium Chain Acyl-CoA Dehydrogenase Deficiency. To our knowledge, no experimental evidence demonstrating an impact on protein function has been reported. The following publication has been ascertained in the context of this evaluation (PMID: 27308838). ClinVar contains an entry for this variant (Variation ID: 92264). Based on the evidence outlined above, the variant was classified as uncertain significance.

Eurofins Ntd Llc (ga)
Classification: Uncertain significance. Last evaluated: 2015-10-02. Review status: criteria provided, single submitter. Criteria: EGL Classification Definitions 2015. Collection method: clinical testing. Allele origin: germline. Observed: 2 variant alleles, 2 heterozygotes.

Literature cited by the submitters: PubMed 27308838 (cited by Women's Health and Genetics/Laboratory Corporation of America, LabCorp).